The following continues an entry in ClinVar:

NM_006662.3(SRCAP):c.7303C>T (p.Arg2435Ter)

Gene: SRCAP. ClinVar aggregate classification (germline): Pathogenic/Likely pathogenic. Pathogenic (19); Likely pathogenic (1).

Submissions 11 to 28 of 28:

Victorian Clinical Genetics Services, Murdoch Childrens Research Institute
Classification: Pathogenic for Floating-Harbor syndrome. Last evaluated: 2022-02-02. Review status: criteria provided, single submitter. Criteria: ACMG Guidelines, 2015. Collection method: clinical testing. Allele origin: germline. Inheritance: Autosomal dominant inheritance. Affected: yes.
Comment: Based on the classification scheme VCGS_Germline_v1.3.4, this variant is classified as Pathogenic. Following criteria are met: 0104 - Dominant negative is the likely mechanism of disease in this gene relating to the cluster of pathogenic protein truncating variants in SRCAP exons 33 and 34 and associated Floating-Harbor syndrome (MIM#136140) (PMID: 22265015, GeneReviews) while the disease mechanism associated with missense variants is currently unclear. It should also be noted that haploinsufficiency has been suggested for pathogenic variants associated with the newly described ‘non-Floating-Harbor syndrome SRCAP-related neurodevelopmental disorder’ (PMID: 33909990). (I) 0107 - This gene is associated with autosomal dominant disease. (I) 0205 - Variant is predicted to result in a truncated protein (premature termination codon is NOT located at least 54 nucleotides upstream of the final exon-exon junction) with less than 1/3 of the protein sequence affected. (SP) 0251 - This variant is heterozygous. (I) 0301 - Variant is absent from gnomAD (both v2 and v3). (SP) 0602 - Variant is located in a hotspot region or cluster of pathogenic variants associated with Floating-Harbor syndrome (GeneReviews). (SP) 0801 - This variant has strong previous evidence of pathogenicity in unrelated individuals. This variant has been classified as pathogenic by multiple clinical diagnostic laboratories and has been described as a recurrent pathogenic variant in individuals with Floating-Harbor syndrome (ClinVar, PMIDs: 31200758, 33909990). (SP) 1208 - Inheritance information for this variant is not currently available in this individual. (I) Legend: (SP) - Supporting pathogenic, (I) - Information, (SB) - Supporting benign

Institute for Clinical Genetics, University Hospital TU Dresden, University Hospital TU Dresden
Classification: Pathogenic. Last evaluated: 2021-11-03. Review status: criteria provided, single submitter. Criteria: ACMG Guidelines, 2015. Collection method: clinical testing. Allele origin: germline.

GeneDx
Classification: Pathogenic. Last evaluated: 2021-11-01. Review status: criteria provided, single submitter. Criteria: GeneDx Variant Classification Process June 2021. Collection method: clinical testing. Allele origin: germline. Affected: yes.
Comment: Nonsense variant in the C-terminus predicted to result in protein truncation, as the last 796 amino acids are lost, and other loss-of-function variants have been reported downstream in the Human Gene Mutation Database (HGMD); Not observed in large population cohorts (gnomAD); This variant is associated with the following publications: (PMID: 23165645, 22265015, 25433523, 26788936, 22965468, 20358590, 31200758, 31248274, 31607746, 31605816, 32170002, 34006472)

Kariminejad - Najmabadi Pathology & Genetics Center
Classification: Likely pathogenic. Last evaluated: 2021-07-10. Review status: criteria provided, single submitter. Criteria: ACMG Guidelines, 2015. Collection method: clinical testing. Allele origin: de novo. Affected: yes.

Equipe Genetique des Anomalies du Developpement, Université de Bourgogne
Classification: Pathogenic for Floating-Harbor syndrome. Last evaluated: 2017-07-10. Review status: criteria provided, single submitter. Criteria: ACMG Guidelines, 2015. Collection method: clinical testing. Allele origin: de novo. Affected: yes. Study: Clinvar_gadteam_Clinical_exome_analysis_3.

Undiagnosed Diseases Network, NIH
Classification: Pathogenic for Floating-Harbor syndrome. Last evaluated: 2016-08-15. Review status: criteria provided, single submitter. Criteria: ACMG Guidelines, 2015. Collection method: clinical testing. Allele origin: de novo. Inheritance: Autosomal dominant inheritance. Affected: yes. Observed: 1 variant allele, 1 heterozygote. Study: Undiagnosed Diseases Network (NIH), UDN.

Eurofins Ntd Llc (ga)
Classification: Pathogenic. Last evaluated: 2015-12-18. Review status: criteria provided, single submitter. Criteria: EGL Classification Definitions 2015. Collection method: clinical testing. Allele origin: germline. Observed: 2 variant alleles, 2 heterozygotes.

UCLA Clinical Genomics Center, UCLA
Classification: Pathogenic for Floating-Harbor syndrome. Last evaluated: 2014-05-20. Review status: criteria provided, single submitter. Criteria: Lee et al. (JAMA. 2014). Collection method: clinical testing. Allele origin: de novo. Inheritance: Autosomal dominant inheritance. Affected: yes. Study: CES.

Department of Medical Genetics, Oslo University Hospital
Classification: Pathogenic for Floating-Harbor syndrome. Review status: criteria provided, single submitter. Criteria: ACMG Guidelines, 2015. Collection method: clinical testing. Allele origin: germline. Affected: yes. Observed: 1 variant allele, 1 heterozygote.

Juno Genomics, Hangzhou Juno Genomics, Inc
Classification: Pathogenic for Floating-Harbor syndrome. Review status: criteria provided, single submitter. Criteria: ACMG Guidelines, 2015. Collection method: clinical testing. Allele origin: germline. Affected: yes.
Comment: Absent from controls (or at extremely low frequency if recessive) in Genome Aggregation Database.;The prevalence of the variant in affected individuals is significantly increased compared to the prevalence in controls.;De novo (both maternity and paternity confirmed) in a patient with the disease and no family history.;Patient's phenotype or family history is highly specific for a disease with a single genetic etiology.

Children's Health, Guangyuan Central Hospital
Classification: Pathogenic for Floating-Harbor syndrome. Last evaluated: 2024-06-27. Review status: no assertion criteria provided. Collection method: research. Allele origin: germline. Inheritance: Autosomal dominant inheritance. Affected: yes. Not counted in ClinVar's aggregate classification.
Comment: The c.7303C>T (p.R2435X) alteration, located in exon 34 of the SRCAP gene, consists of a C to T substitution at nucleotide position 7303. This changes the amino acid at position 2435 from arginine (R) to a stop codon. It is expected to cause truncation of encoded proteins or loss of proteins due to nonsense mediated decay, which is a well-known disease mechanism. This mutation has not been reported in population-based cohorts in the Genome Aggregation Database (gnomAD). c. The change of 7303C>T has been found in multiple patients with floating port syndrome (Jeon, Noh,&Hwang, 2024; Seifert et al., 2014; Zhang et al., 2019). The three ClinVar submissions all listed this variant as pathogenic. The variant is classified as pathogenic, according to ACMG Guidelines (2015). These data indicate that this mutation is likely related to disease.

Beijing Key Laboratory for Genetic Research of Skeletal Deformity, Peking Union Medical College Hospital
Classification: Pathogenic for Floating-Harbor syndrome. Last evaluated: 2019-05-31. Review status: no assertion criteria provided. Collection method: research. Allele origin: de novo. Affected: yes. Not counted in ClinVar's aggregate classification.

OMIM
Classification: Pathogenic for FLOATING-HARBOR SYNDROME. Last evaluated: 2013-01-01. Review status: no assertion criteria provided. Collection method: literature only. Allele origin: germline. Not counted in ClinVar's aggregate classification.

Clinical Genetics DNA and cytogenetics Diagnostics Lab, Erasmus MC, Erasmus Medical Center
Classification: Pathogenic. Review status: no assertion criteria provided. Collection method: clinical testing. Allele origin: germline. Affected: yes. Study: VKGL Data-share Consensus. Not counted in ClinVar's aggregate classification.

Diagnostic Laboratory, Department of Genetics, University Medical Center Groningen
Classification: Pathogenic. Review status: no assertion criteria provided. Collection method: clinical testing. Allele origin: germline. Affected: yes. Study: VKGL Data-share Consensus. Not counted in ClinVar's aggregate classification.

GeneReviews
No classification provided. Condition: Floating-Harbor syndrome. Review status: no classification provided. Collection method: literature only. Allele origin: unknown. Not counted in ClinVar's aggregate classification.

Genome Diagnostics Laboratory, University Medical Center Utrecht
Classification: Pathogenic. Review status: no assertion criteria provided. Collection method: clinical testing. Allele origin: germline. Affected: yes. Study: VKGL Data-share Consensus. Not counted in ClinVar's aggregate classification.

Joint Genome Diagnostic Labs from Nijmegen and Maastricht, Radboudumc and MUMC+
Classification: Pathogenic. Review status: no assertion criteria provided. Collection method: clinical testing. Allele origin: germline. Affected: yes. Study: VKGL Data-share Consensus. Not counted in ClinVar's aggregate classification.

Literature cited by the submitters: PubMed 23193612 (cited by Dasa and GeneReviews); PubMed 33909990 (cited by Variantyx, Inc. and Victorian Clinical Genetics Services, Murdoch Childrens Research Institute); PubMed 22265015 (cited by 8 submitters); PubMed 23621943 (cited by 4 submitters); PubMed 25433523 (cited by 5 submitters); PubMed 22965468 (cited by 3 submitters); PubMed 23165645 (cited by Ambry Genetics); PubMed 24970356 (cited by Ambry Genetics); PubMed 26788936 (cited by Ambry Genetics); PubMed 31200758 (cited by 3 submitters); PubMed 31607746 (cited by Ambry Genetics); PubMed 31715605 (cited by Ambry Genetics); PubMed 32170002 (cited by Ambry Genetics); PubMed 34906459 (cited by Ambry Genetics); PubMed 34006472 (cited by Illumina Laboratory Services, Illumina); PubMed 35664296 (cited by Illumina Laboratory Services, Illumina); PubMed 25326637 (cited by Women's Health and Genetics/Laboratory Corporation of America, LabCorp); PubMed 33288889 (cited by Women's Health and Genetics/Laboratory Corporation of America, LabCorp); PubMed 38230957 (cited by Children's Health, Guangyuan Central Hospital); PubMed 20358590 (cited by OMIM); NCBI Bookshelf NBK114458 (cited by GeneReviews).